The following is an entry in ClinVar:

NM_000368.5(TSC1):c.965_978del (p.Met322fs)

Gene: TSC1 (TSC complex subunit 1; minus strand). Cytogenetic location: 9q34.13.
Variant type: Deletion.
Coding change: c.965_978del on transcript NM_000368.5 (MANE Select); coding-DNA positions 965 to 978, 14 bases deleted (TGCCAGGGCAGCTA).
Protein change: p.Met322fs; shifts the reading frame from methionine 322.
Molecular consequence: frameshift variant.
Genome position (GRCh38, 1-based): chr9:132,911,504-132,911,517, TAGCTGCCCTGGCA deleted on the plus strand (TGCCAGGGCAGCTA on the coding strand, the reverse complement: TSC1 is on the minus strand); deleting any 14 consecutive bases within chr9:132,911,504-132,911,519 gives the same sequence; the c. name uses the placement nearest the transcript's 3' end. VCF-style (leftmost placement, unchanged base first): chr9-132911503-GTAGCTGCCCTGGCA-G. GRCh37 (hg19) VCF-style: chr9-135786890-GTAGCTGCCCTGGCA-G.
Other names: c.965_978del, p.Met322fs (NM_001162426.2); c.812_825del, p.Met271fs (NM_001162427.2); c.602_615del, p.Met201fs (NM_001362177.2); short protein forms M271fs, M201fs, M322fs.
Identifiers: ClinVar variation 661877 (VCV000661877.8), dbSNP rs1588324435, ClinGen allele CA915947254.

ClinVar aggregate classification (germline): Pathogenic (1 of 4 stars; one submission).

Conditions:
Tuberous sclerosis 1 (TSC1). Identifiers: Orphanet 805, MedGen C1854465, MONDO:0008612, OMIM 191100.

Submission:

Labcorp Genetics (formerly Invitae), Labcorp
Classification: Pathogenic for Tuberous sclerosis 1. Last evaluated: 2019-02-07. Review status: criteria provided, single submitter. Criteria: Invitae Variant Classification Sherloc (09022015). Collection method: clinical testing. Allele origin: germline.
Comment: This sequence change creates a premature translational stop signal (p.Met322Thrfs*14) in the TSC1 gene. It is expected to result in an absent or disrupted protein product. For these reasons, this variant has been classified as Pathogenic. Loss-of-function variants in TSC1 are known to be pathogenic (PMID: 10227394, 17304050). This variant has not been reported in the literature in individuals with TSC1-related disease. This variant is not present in population databases (ExAC no frequency).

Literature cited by the submitters: PubMed 10227394; PubMed 17304050.